The following is an entry in ClinVar:

NM_002778.4(PSAP):c.1375G>A (p.Glu459Lys)

Gene: PSAP (prosaposin; minus strand). Cytogenetic location: 10q22.1.
Variant type: single nucleotide variant.
Coding change: c.1375G>A on transcript NM_002778.4 (MANE Select); coding-DNA position 1375, G replaced by A.
Protein change: p.Glu459Lys; replaces glutamic acid 459 with lysine.
Molecular consequence: missense variant.
Genome position (GRCh38, 1-based): chr10:71,819,087, C>T on the plus strand (G>A on the coding strand, the complement: PSAP is on the minus strand). VCF-style: chr10-71819087-C-T. GRCh37 (hg19) VCF-style: chr10-73578844-C-T.
Other names: c.1384G>A, p.Glu462Lys (NM_001042465.3); c.1381G>A, p.Glu461Lys (NM_001042466.3); c.1375G>A (NM_002778.3); short protein forms E459K, E461K, E462K.
Identifiers: ClinVar variation 2152683 (VCV002152683.3), dbSNP rs1447733820, ClinGen allele CA377142107.
Genomic context (GRCh38, chr10:71,819,087, plus strand): 5'-TCACCAAGCACACGAAGGAAGGATCCATCACCTCCACCAGGATCTCGATCAGCACGGGCT[C>T]GTACTCTGCCACAAACTGATCACACTATAAAGGAAAGTGGGGACACAGGTCCAGCTCTGG-3'
Protein context (NP_002769.1, residues 449-469): KQCDQFVAEY[Glu459Lys]PVLIEILVEV

ClinVar aggregate classification (germline): Uncertain significance. Review status: criteria provided, single submitter (1 of 4 stars). 2 submissions from 2 submitters: Uncertain significance (1). 1 of the submissions does not count toward it. Last evaluated 2023-08-04.

Conditions:
Sphingolipid activator protein 1 deficiency. Also called: METACHROMATIC LEUKODYSTROPHY DUE TO CEREBROSIDE SULFATASE ACTIVATOR DEFICIENCY; Metachromatic leukodystrophy due to saposin B deficiency; Saposin B Deficiency. Identifiers: Orphanet 512, MedGen C0268262, MONDO:0009590, OMIM 249900.
Metachromatic leukodystrophy (MLD). Also called: Cerebral sclerosis diffuse metachromatic form; ARSA DEFICIENCY; CEREBROSIDE SULFATASE DEFICIENCY; METACHROMATIC LEUKOENCEPHALOPATHY; SULFATIDE LIPIDOSIS; Arylsulfatase A Deficiency. Identifiers: Orphanet 512, MedGen C0023522, MONDO:0018868, OMIM 250100.

Allele frequency attached by ClinVar (database versions not stated): gnomAD exomes below 0.00001.
gnomAD v4.1: 1 of 1,614,132 alleles (0.000062%); highest among the groups gnomAD compares: East Asian, 0.0022%; no homozygotes.

Submissions (2):

Labcorp Genetics (formerly Invitae), Labcorp
Classification: Uncertain significance for Sphingolipid activator protein 1 deficiency. Last evaluated: 2023-08-04. Review status: criteria provided, single submitter. Criteria: Invitae Variant Classification Sherloc (09022015). Collection method: clinical testing. Allele origin: germline.
Comment: This sequence change replaces glutamic acid, which is acidic and polar, with lysine, which is basic and polar, at codon 459 of the PSAP protein (p.Glu459Lys). This variant is not present in population databases (gnomAD no frequency). This variant has not been reported in the literature in individuals affected with PSAP-related conditions. ClinVar contains an entry for this variant (Variation ID: 2152683). Advanced modeling of protein sequence and biophysical properties (such as structural, functional, and spatial information, amino acid conservation, physicochemical variation, residue mobility, and thermodynamic stability) performed at Invitae indicates that this missense variant is expected to disrupt PSAP protein function. In summary, the available evidence is currently insufficient to determine the role of this variant in disease. Therefore, it has been classified as a Variant of Uncertain Significance.

Natera, Inc.
Classification: Uncertain significance for Metachromatic leukodystrophy. Last evaluated: 2025-05-22. Review status: no assertion criteria provided. Collection method: clinical testing. Allele origin: germline. Not counted in ClinVar's aggregate classification.